The following is an entry in ClinVar:

ClinVar aggregate classification (germline): Uncertain significance (1 of 4 stars; one submission).

Conditions:
Hypertrophic cardiomyopathy. Also called: HYPERTROPHIC MYOCARDIOPATHY. Identifiers: Orphanet 217569, MedGen C0007194, MeSH D002312, MONDO:0005045, HP:0001639.

Submission:

Labcorp Genetics (formerly Invitae), Labcorp
Classification: Uncertain significance for Hypertrophic cardiomyopathy. Last evaluated: 2022-06-29. Review status: criteria provided, single submitter. Criteria: Invitae Variant Classification Sherloc (09022015). Collection method: clinical testing. Allele origin: germline.
Comment: In summary, the available evidence is currently insufficient to determine the role of this variant in disease. Therefore, it has been classified as a Variant of Uncertain Significance. Algorithms developed to predict the effect of missense changes on protein structure and function are either unavailable or do not agree on the potential impact of this missense change (SIFT: "Deleterious"; PolyPhen-2: "Possibly Damaging"; Align-GVGD: "Class C0"). This sequence change replaces leucine, which is neutral and non-polar, with valine, which is neutral and non-polar, at codon 369 of the MYBPC3 protein (p.Leu369Val). This variant is not present in population databases (gnomAD no frequency). This variant has not been reported in the literature in individuals affected with MYBPC3-related conditions.

NM_000256.3(MYBPC3):c.1105C>G (p.Leu369Val)

Gene: MYBPC3 (myosin binding protein C3; minus strand). Cytogenetic location: 11p11.2.
Variant type: single nucleotide variant.
Coding change: c.1105C>G on transcript NM_000256.3 (MANE Select); coding-DNA position 1105, C replaced by G.
Protein change: p.Leu369Val; replaces leucine 369 with valine.
Molecular consequence: missense variant.
Genome position (GRCh38, 1-based): chr11:47,343,610, G>C on the plus strand (C>G on the coding strand, the complement: MYBPC3 is on the minus strand). VCF-style: chr11-47343610-G-C. GRCh37 (hg19) VCF-style: chr11-47365161-G-C.
Other names: short protein forms L369V.
Identifiers: ClinVar variation 1964428 (VCV001964428.5), dbSNP rs2142862312, ClinGen allele CA380329435.